The following is an entry in ClinVar:

NM_005359.6(SMAD4):c.837T>C (p.Asn279=)

Gene: SMAD4 (SMAD family member 4; plus strand). Cytogenetic location: 18q21.2.
Variant type: single nucleotide variant.
Coding change: c.837T>C on transcript NM_005359.6 (MANE Select); coding-DNA position 837, T replaced by C.
Protein change: p.Asn279=; no amino-acid change (asparagine 279 retained).
Molecular consequence: synonymous variant.
Genome position (GRCh38, 1-based): chr18:51,058,389, T>C. VCF-style: chr18-51058389-T-C. GRCh37 (hg19) VCF-style: chr18-48584759-T-C.
Identifiers: ClinVar variation 508735 (VCV000508735.4), dbSNP rs1555685961, ClinGen allele CA503993961.

ClinVar aggregate classification (germline): Likely benign. Review status: criteria provided, multiple submitters, no conflicts (2 of 4 stars). 3 submissions from 3 submitters: Likely benign (3). Last evaluated 2024-09-12.

Conditions:
Juvenile polyposis syndrome (JPS). Identifiers: Orphanet 2929, MedGen C0345893, MONDO:0017380, OMIM 174900.
Familial thoracic aortic aneurysm and aortic dissection (TAAD). Also called: Thoracic aortic aneurysms and dissections. Identifiers: Orphanet 91387, MedGen C4707243, MONDO:0019625.
Hereditary cancer-predisposing syndrome. Also called: Hereditary Cancer Syndrome; Tumor predisposition; Neoplastic Syndromes, Hereditary; Hereditary neoplastic syndrome. Identifiers: Orphanet 140162, MedGen C0027672, MeSH D009386, MONDO:0015356.

Submissions (3):

Labcorp Genetics (formerly Invitae), Labcorp
Classification: Likely benign for Juvenile polyposis syndrome. Last evaluated: 2024-09-12. Review status: criteria provided, single submitter. Criteria: Invitae Variant Classification Sherloc (09022015). Collection method: clinical testing. Allele origin: germline.

Ambry Genetics
Classification: Likely benign for Hereditary cancer-predisposing syndrome; Familial thoracic aortic aneurysm and aortic dissection. Last evaluated: 2023-01-11. Review status: criteria provided, single submitter. Criteria: Ambry Variant Classification Scheme 2023. Collection method: clinical testing. Allele origin: germline.

GeneDx
Classification: Likely benign. Last evaluated: 2017-04-11. Review status: criteria provided, single submitter. Criteria: GeneDx Variant Classification (06012015). Collection method: clinical testing. Allele origin: germline. Affected: yes.
Comment: This variant is considered likely benign or benign based on one or more of the following criteria: it is a conservative change, it occurs at a poorly conserved position in the protein, it is predicted to be benign by multiple in silico algorithms, and/or has population frequency not consistent with disease.